The following is an entry in ClinVar:

NM_000038.6(APC):c.2131A>G (p.Ile711Val)

Gene: APC (APC regulator of Wnt signaling pathway; plus strand). Cytogenetic location: 5q22.2.
Variant type: single nucleotide variant.
Coding change: c.2131A>G on transcript NM_000038.6 (MANE Select); coding-DNA position 2131, A replaced by G.
Protein change: p.Ile711Val; replaces isoleucine 711 with valine.
Molecular consequence: missense variant.
Genome position (GRCh38, 1-based): chr5:112,837,725, A>G. VCF-style: chr5-112837725-A-G. GRCh37 (hg19) VCF-style: chr5-112173422-A-G.
Other names: c.2131A>G, p.Ile711Val (NM_001127510.3, NM_001354895.2); c.2077A>G, p.Ile693Val (NM_001127511.3); c.2185A>G, p.Ile729Val (NM_001354896.2); c.2161A>G, p.Ile721Val (NM_001354897.2); c.2056A>G, p.Ile686Val (NM_001354898.2); c.2047A>G, p.Ile683Val (NM_001354899.2); c.2008A>G, p.Ile670Val (NM_001354900.2); c.1954A>G, p.Ile652Val (NM_001354901.2); and 5 more; short protein forms I670V, I693V, I711V, I620V, I652V, I683V, I686V, I428V.
Identifiers: ClinVar variation 820779 (VCV000820779.16), dbSNP rs1580618611, ClinGen allele CA16025990.

ClinVar aggregate classification (germline): Uncertain significance. Review status: criteria provided, multiple submitters, no conflicts (2 of 4 stars). 3 submissions from 3 submitters: Uncertain significance (3). Last evaluated 2025-12-24.

Conditions:
Familial adenomatous polyposis 1 (FAP1). Also called: FAMILIAL ADENOMATOUS POLYPOSIS 1, ATTENUATED; POLYPOSIS, ADENOMATOUS INTESTINAL. Identifiers: MedGen C2713442, MONDO:0021056, OMIM 175100. Disease mechanism: loss of function.
Hereditary cancer-predisposing syndrome. Also called: Neoplastic Syndromes, Hereditary; Tumor predisposition; Hereditary Cancer Syndrome; Hereditary neoplastic syndrome. Identifiers: Orphanet 140162, MedGen C0027672, MeSH D009386, MONDO:0015356.

Submissions (3):

Labcorp Genetics (formerly Invitae), Labcorp
Classification: Uncertain significance for Familial adenomatous polyposis 1. Last evaluated: 2025-12-24. Review status: criteria provided, single submitter. Criteria: Invitae Variant Classification Sherloc (09022015). Collection method: clinical testing. Allele origin: germline.
Comment: This sequence change replaces isoleucine, which is neutral and non-polar, with valine, which is neutral and non-polar, at codon 711 of the APC protein (p.Ile711Val). This variant is not present in population databases (gnomAD no frequency). This variant has not been reported in the literature in individuals affected with APC-related conditions. ClinVar contains an entry for this variant (Variation ID: 820779). Invitae Evidence Modeling of protein sequence and biophysical properties (such as structural, functional, and spatial information, amino acid conservation, physicochemical variation, residue mobility, and thermodynamic stability) indicates that this missense variant is not expected to disrupt APC protein function with a negative predictive value of 95%. In summary, the available evidence is currently insufficient to determine the role of this variant in disease. Therefore, it has been classified as a Variant of Uncertain Significance.

Ambry Genetics
Classification: Uncertain significance for Hereditary cancer-predisposing syndrome. Last evaluated: 2025-06-09. Review status: criteria provided, single submitter. Criteria: Ambry Variant Classification Scheme 2023. Collection method: clinical testing. Allele origin: germline.
Comment: The p.I711V variant (also known as c.2131A>G), located in coding exon 15 of the APC gene, results from an A to G substitution at nucleotide position 2131. The isoleucine at codon 711 is replaced by valine, an amino acid with highly similar properties. This amino acid position is highly conserved in available vertebrate species. In addition, in silico predictors for this gene do not accurately predict pathogenicity. Missense alterations in APC are not a common cause of disease (Spier I et al. Genet Med. 2024 Feb;26(2):100992). Based on the available evidence, the clinical significance of this variant remains unclear.

Baylor Genetics
Classification: Uncertain significance for Familial adenomatous polyposis 1. Last evaluated: 2023-08-31. Review status: criteria provided, single submitter. Criteria: ACMG Guidelines, 2015. Collection method: clinical testing. Allele origin: unknown.